The following is an entry in ClinVar:

NM_006005.3(WFS1):c.9C>T (p.Ser3=)

Gene: WFS1 (wolframin ER transmembrane glycoprotein; plus strand). Cytogenetic location: 4p16.1.
Variant type: single nucleotide variant.
Coding change: c.9C>T on transcript NM_006005.3 (MANE Select); coding-DNA position 9, C replaced by T.
Protein change: p.Ser3=; no amino-acid change (serine 3 retained).
Molecular consequence: synonymous variant.
Genome position (GRCh38, 1-based): chr4:6,277,464, C>T. VCF-style: chr4-6277464-C-T. GRCh37 (hg19) VCF-style: chr4-6279191-C-T.
Other names: p.S3S:TCC>TCT; p.Ser3=; c.9C>T, p.Ser3= (NM_001145853.1).
Identifiers: ClinVar variation 130752 (VCV000130752.39), dbSNP rs71524363, ClinGen allele CA289146.
Genomic context (GRCh38, chr4:6,277,464, plus strand): 5'-CGGGCTCTGCCGGTGCTGGATGTGCCTGACCTTGACTTTTCTTCCAGGCAGGATGGACTC[C>T]AACACTGCTCCGCTGGGCCCCTCCTGCCCACAGCCCCCGCCAGCACCGCAGCCCCAGGCG-3'
Protein context (NP_005996.2, residues 1-13): MD[Ser3=]NTAPLGPSCP

ClinVar aggregate classification (germline): Benign/Likely benign. Review status: criteria provided, multiple submitters, no conflicts (2 of 4 stars). 14 submissions from 13 submitters: Benign (12); Likely benign (1). 1 of the submissions does not count toward it. Last evaluated 2026-02-01.

Conditions:
WFS1-Related Spectrum Disorders.
Autosomal dominant nonsyndromic hearing loss 6 (LFSNHL). Also called: Autosomal dominant nonsyndromic deafness 6; DEAFNESS, AUTOSOMAL DOMINANT 14; DEAFNESS, AUTOSOMAL DOMINANT 38; DEAFNESS, AUTOSOMAL DOMINANT 6. Identifiers: Orphanet 90635, MedGen C1833021, MONDO:0010963, OMIM 600965.
Wolfram syndrome 1 (WFS1). Identifiers: Orphanet 3463, MedGen C4551693, MONDO:0009101, OMIM 222300.

Allele frequency attached by ClinVar (database versions not stated): gnomAD exomes 0.00132 and 0.00315; ExAC 0.00684; ESP Exome Variant Server 0.01309; gnomAD 0.01350 and 0.01435; TOPMed 0.01509; 1000 Genomes Project 30x 0.01593; 1000 Genomes Project 0.01597.
gnomAD v4.1: 4,041 of 1,554,850 alleles (0.26%); highest among the groups gnomAD compares: African/African-American, 4.7%; 101 homozygotes.

Submissions (14):

Labcorp Genetics (formerly Invitae), Labcorp
Classification: Benign. Last evaluated: 2026-02-01. Review status: criteria provided, single submitter. Criteria: Invitae Variant Classification Sherloc (09022015). Collection method: clinical testing. Allele origin: germline.

Mayo Clinic Laboratories, Mayo Clinic
Classification: Benign. Last evaluated: 2025-05-02. Review status: criteria provided, single submitter. Criteria: ACMG Guidelines, 2015. Collection method: clinical testing. Allele origin: germline. Observed: 5 variant alleles.
Comment: BA1, BS2

Blueprint Genetics
Classification: Likely benign. Last evaluated: 2024-11-05. Review status: criteria provided, single submitter. Criteria: ACMG Guidelines, 2015. Collection method: clinical testing. Allele origin: germline.

ARUP Laboratories, Molecular Genetics and Genomics, ARUP Laboratories
Classification: Benign. Last evaluated: 2023-11-28. Review status: criteria provided, single submitter. Criteria: ARUP Molecular Germline Variant Investigation Process 2024. Collection method: clinical testing. Allele origin: germline.

Athena Diagnostics
Classification: Benign. Last evaluated: 2018-11-12. Review status: criteria provided, single submitter. Criteria: Athena Diagnostics Criteria. Collection method: clinical testing. Allele origin: germline.

Illumina Laboratory Services, Illumina
Classification: Benign for WFS1-Related Spectrum Disorders. Last evaluated: 2018-01-12. Review status: criteria provided, single submitter. Criteria: ICSL Variant Classification Criteria 13 December 2019. Collection method: clinical testing. Allele origin: germline.
Comment: This variant was observed in the ICSL laboratory as part of a predisposition screen in an ostensibly healthy population. It had not been previously curated by ICSL or reported in the Human Gene Mutation Database (HGMD: prior to June 1st, 2018), and was therefore a candidate for classification through an automated scoring system. Utilizing variant allele frequency, disease prevalence and penetrance estimates, and inheritance mode, an automated score was calculated to assess if this variant is too frequent to cause the disease. Based on the score and internal cut-off values, a variant classified as benign is not then subjected to further curation. The score for this variant resulted in a classification of benign for this disease.

Illumina Laboratory Services, Illumina
Classification: Benign for Autosomal dominant nonsyndromic hearing loss 6. Last evaluated: 2018-01-12. Review status: criteria provided, single submitter. Criteria: ICSL Variant Classification Criteria 13 December 2019. Collection method: clinical testing. Allele origin: germline.
Comment: the same text as in the submission from Illumina Laboratory Services, Illumina above.

Eurofins Ntd Llc (ga)
Classification: Benign. Last evaluated: 2015-05-20. Review status: criteria provided, single submitter. Criteria: EGL Classification Definitions 2015. Collection method: clinical testing. Allele origin: germline. Observed: 2 variant alleles, 1 heterozygote.

GeneDx
Classification: Benign. Last evaluated: 2013-01-28. Review status: criteria provided, single submitter. Criteria: GeneDx Variant Classification (06012015). Collection method: clinical testing. Allele origin: germline. Affected: yes.
Comment: This variant is considered likely benign or benign based on one or more of the following criteria: it is a conservative change, it occurs at a poorly conserved position in the protein, it is predicted to be benign by multiple in silico algorithms, and/or has population frequency not consistent with disease.

Laboratory for Molecular Medicine, Mass General Brigham Personalized Medicine
Classification: Benign. Last evaluated: 2012-05-07. Review status: criteria provided, single submitter. Criteria: LMM Criteria. Collection method: clinical testing. Allele origin: germline. Observed: 15 variant alleles.
Comment: "Ser3Ser in Exon 02 of WFS1: This variant is not expected to have clinical signi ficance because it does not alter an amino acid residue, is not located within t he splice consensus sequence, and has been identified in 4.0% (143/3602) of Afri can American chromosomes from a broad population by the NHLBI Exome Sequencing P roject (dbSNP rs71524363)."

Breakthrough Genomics
Classification: Benign. Review status: criteria provided, single submitter. Criteria: ACMG Guidelines, 2015. Collection method: not provided. Allele origin: germline. Inheritance: Autosomal recessive inheritance. Affected: yes.

Clinical Genomics, Uppaluri K&H Personalized Medicine Clinic
Classification: Benign for Wolfram syndrome 1. Review status: criteria provided, single submitter. Criteria: K & H Uppaluri Personalized Medicine Clinic Variant Classification & Assertion Criteria_Updated V.1. Collection method: research. Allele origin: unknown. Inheritance: Autosomal recessive inheritance.
Comment: Potent mutations in WFS1 gene are associated with Wolfram's syndrome, an autosomal recessive condition, which cause diabetes mellitus, diabetes insipidus, deafness and optic atrophy.However no sufficient evidence is found to ascertain the role of this particular variant rs71524363 yet.

PreventionGenetics, part of Exact Sciences
Classification: Benign. Review status: criteria provided, single submitter. Criteria: ACMG Guidelines, 2015. Collection method: clinical testing. Allele origin: germline.

Genetic Services Laboratory, University of Chicago
Classification: Likely benign for AllHighlyPenetrant. Review status: no assertion criteria provided. Collection method: clinical testing. Allele origin: germline. Inheritance: Autosomal recessive inheritance. Not counted in ClinVar's aggregate classification.
Comment: Likely benign based on allele frequency in 1000 Genomes Project or ESP global frequency and its presence in a patient with a rare or unrelated disease phenotype. NOT Sanger confirmed.

Literature cited by the submitters: PubMed 20738327 (cited by Clinical Genomics, Uppaluri K&H Personalized Medicine Clinic); PubMed 33879153 (cited by Clinical Genomics, Uppaluri K&H Personalized Medicine Clinic); PubMed 12955714 (cited by Clinical Genomics, Uppaluri K&H Personalized Medicine Clinic); PubMed 18060660 (cited by Clinical Genomics, Uppaluri K&H Personalized Medicine Clinic); PubMed 20301750 (cited by Clinical Genomics, Uppaluri K&H Personalized Medicine Clinic); PubMed 17603484 (cited by Clinical Genomics, Uppaluri K&H Personalized Medicine Clinic).